The following is an entry in ClinVar:

NM_004656.4(BAP1):c.544G>A (p.Glu182Lys)

Gene: BAP1 (BRCA1 associated deubiquitinase 1; minus strand). Cytogenetic location: 3p21.1.
Variant type: single nucleotide variant.
Coding change: c.544G>A on transcript NM_004656.4 (MANE Select); coding-DNA position 544, G replaced by A.
Protein change: p.Glu182Lys; replaces glutamic acid 182 with lysine.
Molecular consequence: missense variant.
Genome position (GRCh38, 1-based): chr3:52,407,210, C>T on the plus strand (G>A on the coding strand, the complement: BAP1 is on the minus strand). VCF-style: chr3-52407210-C-T. GRCh37 (hg19) VCF-style: chr3-52441226-C-T.
Other names: short protein forms E182K.
Identifiers: ClinVar variation 825742 (VCV000825742.6), dbSNP rs1060503726, ClinGen allele CA353109695.

ClinVar aggregate classification (germline): Uncertain significance. Review status: criteria provided, multiple submitters, no conflicts (2 of 4 stars). 2 submissions from 2 submitters: Uncertain significance (2). Last evaluated 2025-06-26.

Conditions:
Hereditary cancer-predisposing syndrome. Also called: Neoplastic Syndromes, Hereditary; Tumor predisposition; Hereditary Cancer Syndrome; Hereditary neoplastic syndrome. Identifiers: Orphanet 140162, MedGen C0027672, MeSH D009386, MONDO:0015356.

Submissions (2):

Ambry Genetics
Classification: Uncertain significance for Hereditary cancer-predisposing syndrome. Last evaluated: 2025-06-26. Review status: criteria provided, single submitter. Criteria: Ambry Variant Classification Scheme 2023. Collection method: clinical testing. Allele origin: germline.
Comment: The p.E182K variant (also known as c.544G>A), located in coding exon 7 of the BAP1 gene, results from a G to A substitution at nucleotide position 544. The glutamic acid at codon 182 is replaced by lysine, an amino acid with similar properties. This alteration was non-functional in a high throughput genome editing haploid cell survival functional assay (Waters AJ et al. Nat Genet, 2024 Jul;56:1434-1445). This amino acid position is highly conserved in available vertebrate species. In addition, this alteration is predicted to be deleterious by in silico analysis. Based on the available evidence, the clinical significance of this variant remains unclear.

Blueprint Genetics
Classification: Uncertain significance. Last evaluated: 2024-11-08. Review status: criteria provided, single submitter. Criteria: ACMG Guidelines, 2015. Collection method: clinical testing. Allele origin: germline.

Literature cited by the submitters: PubMed 38969833 (cited by Ambry Genetics).